The following is an entry in ClinVar:

NM_014679.5(CEP57):c.1030A>G (p.Lys344Glu)

Gene: CEP57 (centrosomal protein 57; plus strand). Cytogenetic location: 11q21.
Variant type: single nucleotide variant.
Coding change: c.1030A>G on transcript NM_014679.5 (MANE Select); coding-DNA position 1030, A replaced by G.
Protein change: p.Lys344Glu; replaces lysine 344 with glutamic acid.
Molecular consequence: missense variant.
Genome position (GRCh38, 1-based): chr11:95,827,930, A>G. VCF-style: chr11-95827930-A-G. GRCh37 (hg19) VCF-style: chr11-95561094-A-G.
Other names: c.1003A>G, p.Lys335Glu (NM_001243776.2); c.952A>G, p.Lys318Glu (NM_001243777.2); c.949A>G, p.Lys317Glu (NM_001363604.2); short protein forms K344E, K335E, K317E, K318E.
Identifiers: ClinVar variation 4001001 (VCV004001001.1).

ClinVar aggregate classification (germline): Uncertain significance (1 of 4 stars; one submission).

Conditions:
Inborn genetic diseases. Identifiers: MedGen C0950123, MeSH D030342.

Submission:

Ambry Genetics
Classification: Uncertain significance for Inborn genetic diseases. Last evaluated: 2025-04-07. Review status: criteria provided, single submitter. Criteria: Ambry Variant Classification Scheme 2023. Collection method: clinical testing. Allele origin: germline.
Comment: The p.K344E variant (also known as c.1030A>G), located in coding exon 9 of the CEP57 gene, results from an A to G substitution at nucleotide position 1030. The lysine at codon 344 is replaced by glutamic acid, an amino acid with similar properties. This amino acid position is conserved. In addition, this alteration is predicted to be tolerated by in silico analysis. Based on the available evidence, the clinical significance of this variant remains unclear.